The following is an entry in ClinVar:

NM_016239.4(MYO15A):c.4656-11del

Gene: MYO15A (myosin XVA; plus strand). Cytogenetic location: 17p11.2.
Variant type: Deletion.
Coding change: c.4656-11del on transcript NM_016239.4 (MANE Select); 11 bases into the intron before coding-DNA position 4656, one base deleted (C; older notation c.4656-11delC).
Molecular consequence: intron variant.
Genome position (GRCh38, 1-based): chr17:18,136,552, C deleted; the last of 2 consecutive C bases (chr17:18,136,551-18,136,552); deleting either gives the same sequence. VCF-style (leftmost placement, unchanged base first): chr17-18136550-AC-A. GRCh37 (hg19) VCF-style: chr17-18039864-AC-A.
Identifiers: ClinVar variation 505176 (VCV000505176.11), dbSNP rs767773802, ClinGen allele CA8423990.

ClinVar aggregate classification (germline): Conflicting classifications of pathogenicity. Review status: criteria provided, conflicting classifications (1 of 4 stars). 3 submissions from 3 submitters: Uncertain significance (1); Likely benign (2). Last evaluated 2024-02-14.

Submissions (3):

Labcorp Genetics (formerly Invitae), Labcorp
Classification: Likely benign. Last evaluated: 2024-02-14. Review status: criteria provided, single submitter. Criteria: Invitae Variant Classification Sherloc (09022015). Collection method: clinical testing. Allele origin: germline.

GeneDx
Classification: Likely benign. Last evaluated: 2023-01-31. Review status: criteria provided, single submitter. Criteria: GeneDx Variant Classification Process June 2021. Collection method: clinical testing. Allele origin: germline. Affected: yes.
Comment: See Variant Classification Assertion Criteria.

Laboratory for Molecular Medicine, Mass General Brigham Personalized Medicine
Classification: Uncertain significance. Last evaluated: 2016-06-21. Review status: criteria provided, single submitter. Criteria: LMM Criteria. Collection method: clinical testing. Allele origin: germline. Observed: 1 variant allele.
Comment: Variant classified as Uncertain Significance - Favor Benign. The c.4656-11delC v ariant in MYO15A has not been previously reported in individuals with hearing lo ss, but it has been identified in 5/9804 African chromosomes by the Exome Aggreg ation Consortium (ExAC; dbSNP rs767773802). This variant is located in the 3' splice region. Computational tools do not suggest an impact to splicing. However, this information is not predictive enough to rul e out pathogenicity. In summary, while the clinical significance of this variant is uncertain, these data suggest that it is more likely to be benign.